The following is an entry in ClinVar:

ClinVar aggregate classification (germline): Uncertain significance (1 of 4 stars; one submission).

Allele frequency attached by ClinVar (database versions not stated): gnomAD exomes below 0.00001.
gnomAD v4.1: 6 of 1,612,830 alleles (0.00037%); highest among the groups gnomAD compares: Non-Finnish European, 0.00051%; no homozygotes.

Submission:

GeneDx
Classification: Uncertain significance. Last evaluated: 2022-11-09. Review status: criteria provided, single submitter. Criteria: GeneDx Variant Classification Process June 2021. Collection method: clinical testing. Allele origin: germline. Affected: yes.
Comment: Not observed at significant frequency in large population cohorts (gnomAD); Missense variant in a gene in which most reported pathogenic variants are truncating/loss of function; Reported previously as p.(K18420E) as a variant of uncertain significance in an individual with sudden cardiac death; c. nomenclature not provided (Tiesmeier et al. 2021); This variant is associated with the following publications: (PMID: 34389451)

NM_001267550.2(TTN):c.55258A>G (p.Lys18420Glu)

Genes: TTN (titin; minus strand), TTN-AS1 (TTN antisense RNA 1; plus strand). Cytogenetic location: 2q31.2.
Variant type: single nucleotide variant.
Coding change: c.55258A>G on transcript NM_001267550.2 (MANE Select); coding-DNA position 55258, A replaced by G.
Protein change: p.Lys18420Glu; replaces lysine 18420 with glutamic acid.
Molecular consequence: missense variant.
Genome position (GRCh38, 1-based): chr2:178,602,013, T>C on the plus strand (A>G on the coding strand, the complement: TTN is on the minus strand). VCF-style: chr2-178602013-T-C. GRCh37 (hg19) VCF-style: chr2-179466740-T-C.
Other names: c.50335A>G, p.Lys16779Glu (NM_001256850.1); c.28063A>G, p.Lys9355Glu (NM_003319.4); c.47554A>G, p.Lys15852Glu (NM_133378.4); c.28438A>G, p.Lys9480Glu (NM_133432.3); c.28639A>G, p.Lys9547Glu (NM_133437.4); short protein forms K15852E, K16779E, K18420E, K9355E, K9480E, K9547E.
Identifiers: ClinVar variation 1723649 (VCV001723649.2), dbSNP rs2470032240, ClinGen allele CA349543288.